The following is an entry in ClinVar:

ClinVar aggregate classification (germline): Pathogenic (1 of 4 stars; one submission).

Conditions:
Primary ciliary dyskinesia 3. Identifiers: Orphanet 244, MedGen C1837618, MONDO:0012085, OMIM 608644.

Submission:

Myriad Genetics, Inc.
Classification: Pathogenic for Primary ciliary dyskinesia 3. Last evaluated: 2024-05-14. Review status: criteria provided, single submitter. Criteria: Myriad Autosomal Dominant, Autosomal Recessive and X-Linked Classification Criteria (2023). Collection method: clinical testing. Allele origin: unknown.
Comment: NM_001369.2(DNAH5):c.5430_5431ins11(I1811Ffs*12) is expected to be pathogenic in the context of primary ciliary dyskinesia, DNAH5-related. This variant is predicted to lead to an abnormal or absent protein product due to the creation of a premature termination codon in DNAH5, a gene where loss-of-function variants are known to be pathogenic. Please note: this variant was assessed in the context of healthy population screening.

NM_001369.3(DNAH5):c.5430_5431insTTTTTCCTTGA (p.Ile1811fs)

Gene: DNAH5 (dynein axonemal heavy chain 5; minus strand). Cytogenetic location: 5p15.2.
Variant type: Insertion.
Coding change: c.5430_5431insTTTTTCCTTGA on transcript NM_001369.3 (MANE Select); coding-DNA positions 5430 to 5431, TTTTTCCTTGA inserted.
Protein change: p.Ile1811fs; shifts the reading frame from isoleucine 1811.
Molecular consequence: frameshift variant.
Genome position: GRCh38 VCF-style: chr5-13841745-T-TTCAAGGAAAAA. GRCh37 (hg19) VCF-style: chr5-13841854-T-TTCAAGGAAAAA.
Other names: short protein forms I1811fs.
Identifiers: ClinVar variation 5010444 (VCV005010444.1).
Genomic context (GRCh38, chr5:13,841,745, plus strand): 5'-CACTGACCTGAGCAGGGAAGGATGAAAGAAATTCAGTTAGTTGGAAACCTGTTTCTTGAA[T>TTCAAGGAAAAA]ATTTGCGGCTGCCTGGCGAATCACAAGATGCAATGAGGACTGAGATTCTTCCAAAAGAGA-3'